The following is an entry in ClinVar:

NM_003743.5(NCOA1):c.76A>C (p.Thr26Pro)

Gene: NCOA1 (nuclear receptor coactivator 1; plus strand). Cytogenetic location: 2p23.3.
Variant type: single nucleotide variant.
Coding change: c.76A>C on transcript NM_003743.5 (MANE Select); coding-DNA position 76, A replaced by C.
Protein change: p.Thr26Pro; replaces threonine 26 with proline.
Molecular consequence: missense variant.
Genome position (GRCh38, 1-based): chr2:24,658,753, A>C. VCF-style: chr2-24658753-A-C. GRCh37 (hg19) VCF-style: chr2-24881622-A-C.
Other names: c.76A>C, p.Thr26Pro (NM_001362950.1, NM_001362952.1, NM_001362954.1 and 3 more transcripts); short protein forms T26P.
Identifiers: ClinVar variation 2634123 (VCV002634123.2), dbSNP rs762881290, ClinGen allele CA1551926.

ClinVar aggregate classification (germline): Uncertain significance (0 of 4 stars; one submission).

Conditions:
NCOA1-related disorder. Also called: NCOA1-related condition.

Allele frequency attached by ClinVar (database versions not stated): TOPMed 0.00003.
gnomAD v4.1: 24 of 1,613,876 alleles (0.0015%); highest among the groups gnomAD compares: Non-Finnish European, 0.0018%; no homozygotes.

Submission:

PreventionGenetics, part of Exact Sciences
Classification: Uncertain significance for NCOA1-related condition. Last evaluated: 2024-03-08. Review status: no assertion criteria provided. Collection method: clinical testing. Allele origin: germline.
Comment: The NCOA1 c.76A>C variant is predicted to result in the amino acid substitution p.Thr26Pro. To our knowledge, this variant has not been reported in the literature. This variant is reported in 0.0044% of alleles in individuals of European (Non-Finnish) descent in gnomAD. At this time, the clinical significance of this variant is uncertain due to the absence of conclusive functional and genetic evidence.